The following is an entry in ClinVar:

ClinVar aggregate classification (germline): Pathogenic (1 of 4 stars; one submission).

Conditions:
Kabuki syndrome. Also called: NIIKAWA-KUROKI SYNDROME; Kabuki make-up syndrome. Identifiers: Orphanet 2322, MedGen C0796004, MONDO:0016512.

Submission:

Labcorp Genetics (formerly Invitae), Labcorp
Classification: Pathogenic for Kabuki syndrome. Last evaluated: 2020-09-29. Review status: criteria provided, single submitter. Criteria: Invitae Variant Classification Sherloc (09022015). Collection method: clinical testing. Allele origin: germline.
Comment: This sequence change creates a premature translational stop signal (p.Gln3546Hisfs*112) in the KMT2D gene. It is expected to result in an absent or disrupted protein product. This variant is not present in population databases (ExAC no frequency). This variant has not been reported in the literature in individuals with KMT2D-related conditions. Loss-of-function variants in KMT2D are known to be pathogenic (PMID: 22126750). For these reasons, this variant has been classified as Pathogenic.

Literature cited by the submitters: PubMed 22126750.

NM_003482.4(KMT2D):c.10638del (p.Gln3546fs)

Gene: KMT2D (lysine methyltransferase 2D; minus strand). Cytogenetic location: 12q13.12.
Variant type: Deletion.
Coding change: c.10638del on transcript NM_003482.4 (MANE Select); coding-DNA position 10638, one base deleted (G; older notation c.10638delG).
Protein change: p.Gln3546fs; shifts the reading frame from glutamine 3546.
Molecular consequence: frameshift variant.
Genome position (GRCh38, 1-based): chr12:49,034,169, C deleted on the plus strand (G on the coding strand, the reverse complement: KMT2D is on the minus strand). VCF-style (leftmost placement, unchanged base first): chr12-49034168-GC-G. GRCh37 (hg19) VCF-style: chr12-49427951-GC-G.
Other names: short protein forms Q3546fs.
Identifiers: ClinVar variation 1072673 (VCV001072673.2), dbSNP rs2120453226, ClinGen allele CA2499221703.